The following is an entry in ClinVar:

NM_006261.5(PROP1):c.463del (p.Tyr155fs)

Gene: PROP1 (PROP paired-like homeobox 1; minus strand). Cytogenetic location: 5q35.3.
Variant type: Deletion.
Coding change: c.463del on transcript NM_006261.5 (MANE Select); coding-DNA position 463, one base deleted (T; older notation c.463delT).
Protein change: p.Tyr155fs; shifts the reading frame from tyrosine 155.
Molecular consequence: frameshift variant.
Genome position (GRCh38, 1-based): chr5:177,992,927, A deleted on the plus strand (T on the coding strand, the reverse complement: PROP1 is on the minus strand). VCF-style (leftmost placement, unchanged base first): chr5-177992926-TA-T. GRCh37 (hg19) VCF-style: chr5-177419927-TA-T.
Other names: short protein forms Y155fs.
Identifiers: ClinVar variation 2127143 (VCV002127143.4), dbSNP rs2480284654, ClinGen allele CA2580074075.

ClinVar aggregate classification (germline): Pathogenic (1 of 4 stars; one submission).

Allele frequency attached by ClinVar (database versions not stated): gnomAD exomes below 0.00001.

Submission:

Labcorp Genetics (formerly Invitae), Labcorp
Classification: Pathogenic. Last evaluated: 2022-04-17. Review status: criteria provided, single submitter. Criteria: Invitae Variant Classification Sherloc (09022015). Collection method: clinical testing. Allele origin: germline.
Comment: For these reasons, this variant has been classified as Pathogenic. This variant disrupts a region of the PROP1 protein in which other variant(s) (p.Pro210Hisfs*26) have been determined to be pathogenic (PMID: 16735499). This suggests that this is a clinically significant region of the protein, and that variants that disrupt it are likely to be disease-causing. This variant has not been reported in the literature in individuals affected with PROP1-related conditions. This variant is not present in population databases (gnomAD no frequency). This sequence change creates a premature translational stop signal (p.Tyr155Ilefs*10) in the PROP1 gene. While this is not anticipated to result in nonsense mediated decay, it is expected to disrupt the last 72 amino acid(s) of the PROP1 protein.

Literature cited by the submitters: PubMed 16735499.